The following is an entry in ClinVar:

ClinVar aggregate classification (germline): Uncertain significance (1 of 4 stars; one submission).

Conditions:
Idiopathic generalized epilepsy. Also called: EIG; Generalised epilepsy. Identifiers: MedGen C0270850, MONDO:0005579, OMIM 600669.

Submission:

Labcorp Genetics (formerly Invitae), Labcorp
Classification: Uncertain significance for Idiopathic generalized epilepsy. Last evaluated: 2024-10-23. Review status: criteria provided, single submitter. Criteria: Invitae Variant Classification Sherloc (09022015). Collection method: clinical testing. Allele origin: germline.
Comment: This sequence change replaces proline, which is neutral and non-polar, with arginine, which is basic and polar, at codon 79 of the RBFOX1 protein (p.Pro79Arg). This variant is present in population databases (no rsID available, gnomAD 0.002%). This variant has not been reported in the literature in individuals affected with RBFOX1-related conditions. An algorithm developed to predict the effect of missense changes on protein structure and function (PolyPhen-2) suggests that this variant is likely to be disruptive. In summary, the available evidence is currently insufficient to determine the role of this variant in disease. Therefore, it has been classified as a Variant of Uncertain Significance.

NM_018723.4(RBFOX1):c.176C>G (p.Pro59Arg)

Gene: RBFOX1 (RNA binding fox-1 homolog 1; plus strand). Cytogenetic location: 16p13.3.
Variant type: single nucleotide variant.
Coding change: c.176C>G on transcript NM_018723.4 (MANE Select); coding-DNA position 176, C replaced by G.
Protein change: p.Pro59Arg; replaces proline 59 with arginine.
Molecular consequence: missense variant.
Genome position (GRCh38, 1-based): chr16:7,518,295, C>G. VCF-style: chr16-7518295-C-G. GRCh37 (hg19) VCF-style: chr16-7568297-C-G.
Other names: c.176C>G, p.Pro59Arg (NM_001142333.2, NM_001142334.2, NM_001364800.2 and 1 more transcripts); c.305C>G, p.Pro102Arg (NM_001308117.1, NM_001411047.1, NM_001415891.1 and 5 more transcripts); c.773C>G, p.Pro258Arg (NM_001415887.1, NM_001415888.1); c.284C>G, p.Pro95Arg (NM_001415889.1, NM_001415892.1, NM_001415894.1 and 5 more transcripts); c.251C>G, p.Pro84Arg (NM_001415890.1, NM_001415893.1, NM_001415899.1 and 4 more transcripts); c.236C>G, p.Pro79Arg (NM_001415896.1, NM_001415904.1, NM_001415906.1 and 4 more transcripts); c.182C>G, p.Pro61Arg (NM_001415902.1, NM_001415911.1, NM_001415917.1); short protein forms P102R, P258R, P59R, P95R, P61R, P79R, P84R.
Identifiers: ClinVar variation 3718522 (VCV003718522.2).
Genomic context (GRCh38, chr16:7,518,295, plus strand): 5'-CGGAATACACGGCCCCTCATCCCCACCCCGCGCCAGAGTACACAGGCCAGACCACGGTTC[C>G]CGAGCACACATTAAACCTGTACCCTCCCGCCCAGACGCACTCCGAGCAGAGCCCGGCGGA-3'
Protein context (NP_061193.2, residues 49-69): APEYTGQTTV[Pro59Arg]EHTLNLYPPA